The following is an entry in ClinVar:

ClinVar aggregate classification (germline): Uncertain significance (1 of 4 stars; one submission).

Allele frequency attached by ClinVar (database versions not stated): gnomAD 0.00001; TOPMed 0.00001.
gnomAD v4.1: 21 of 1,598,266 alleles (0.0013%); highest among the groups gnomAD compares: African/African-American, 0.0027%; no homozygotes.

Submission:

Labcorp Genetics (formerly Invitae), Labcorp
Classification: Uncertain significance. Last evaluated: 2022-03-16. Review status: criteria provided, single submitter. Criteria: Invitae Variant Classification Sherloc (09022015). Collection method: clinical testing. Allele origin: germline.
Comment: In summary, the available evidence is currently insufficient to determine the role of this variant in disease. Therefore, it has been classified as a Variant of Uncertain Significance. Algorithms developed to predict the effect of missense changes on protein structure and function are either unavailable or do not agree on the potential impact of this missense change (SIFT: "Tolerated"; PolyPhen-2: "Probably Damaging"; Align-GVGD: "Class C0"). This variant has not been reported in the literature in individuals affected with PLK4-related conditions. This variant is present in population databases (no rsID available, gnomAD 0.004%). This sequence change replaces arginine, which is basic and polar, with glutamine, which is neutral and polar, at codon 114 of the PLK4 protein (p.Arg114Gln).

NM_014264.5(PLK4):c.341G>A (p.Arg114Gln)

Gene: PLK4 (polo like kinase 4; plus strand). Cytogenetic location: 4q28.1.
Variant type: single nucleotide variant.
Coding change: c.341G>A on transcript NM_014264.5 (MANE Select); coding-DNA position 341, G replaced by A.
Protein change: p.Arg114Gln; replaces arginine 114 with glutamine.
Molecular consequence: missense variant.
Genome position (GRCh38, 1-based): chr4:127,885,711, G>A. VCF-style: chr4-127885711-G-A. GRCh37 (hg19) VCF-style: chr4-128806866-G-A.
Other names: c.245G>A, p.Arg82Gln (NM_001190799.2); c.218G>A, p.Arg73Gln (NM_001190801.2); short protein forms R114Q, R82Q, R73Q.
Identifiers: ClinVar variation 2183319 (VCV002183319.4), dbSNP rs1161739892, ClinGen allele CA358168363.